The following is an entry in ClinVar:

NM_032199.3(ARID5B):c.2655G>A (p.Thr885=)

Gene: ARID5B (AT-rich interaction domain 5B; plus strand). Cytogenetic location: 10q21.2.
Variant type: single nucleotide variant.
Coding change: c.2655G>A on transcript NM_032199.3 (MANE Select); coding-DNA position 2655, G replaced by A.
Protein change: p.Thr885=; no amino-acid change (threonine 885 retained).
Molecular consequence: synonymous variant.
Genome position (GRCh38, 1-based): chr10:62,092,118, G>A. VCF-style: chr10-62092118-G-A. GRCh37 (hg19) VCF-style: chr10-63851877-G-A.
Other names: c.1926G>A, p.Thr642= (NM_001244638.2).
Identifiers: ClinVar variation 3055195 (VCV003055195.2), dbSNP rs368683439, ClinGen allele CA5515525.
Genomic context (GRCh38, chr10:62,092,118, plus strand): 5'-GGAAAACAGTTCTTTTCCTTCCCACAGACACCAAGAAAAGCTCCATGTAAATTATCTCAC[G>A]TCCCTGCACCTGCAAGACAAAAAGTCGGCGGCAGCAGAAGCCCCTACGGATGATCAGCCT-3'
Protein context (NP_115575.1, residues 875-895): HQEKLHVNYL[Thr885=]SLHLQDKKSA

ClinVar aggregate classification (germline): Likely benign (0 of 4 stars; one submission).

Conditions:
ARID5B-related disorder. Also called: ARID5B-related condition.

Allele frequency attached by ClinVar (database versions not stated): ESP Exome Variant Server 0.00008; gnomAD exomes 0.00023; ExAC 0.00026; TOPMed 0.00032; gnomAD 0.00036.
gnomAD v4.1: 395 of 1,610,748 alleles (0.025%); highest among the groups gnomAD compares: Admixed American, 0.059%; 1 homozygote.

Submission:

PreventionGenetics, part of Exact Sciences
Classification: Likely benign for ARID5B-related condition. Last evaluated: 2022-01-25. Review status: no assertion criteria provided. Collection method: clinical testing. Allele origin: germline.
Comment: This variant is classified as likely benign based on ACMG/AMP sequence variant interpretation guidelines (Richards et al. 2015 PMID: 25741868, with internal and published modifications).